The following is an entry in ClinVar:

ClinVar aggregate classification (germline): Uncertain significance (1 of 4 stars; one submission).

gnomAD v4.1: 1 of 1,612,690 alleles (0.000062%); highest among the groups gnomAD compares: Non-Finnish European, 0.000085%; no homozygotes.

Submission:

GeneDx
Classification: Uncertain significance. Last evaluated: 2026-03-03. Review status: criteria provided, single submitter. Criteria: GeneDx Variant Classification Process June 2021. Collection method: clinical testing. Allele origin: germline.
Comment: Not observed at significant frequency in large population cohorts (gnomAD); In silico analysis supports that this missense variant has a deleterious effect on protein structure/function; Has not been previously published as pathogenic or benign to our knowledge

NM_001017974.2(P4HA2):c.1273G>A (p.Gly425Arg)

Gene: P4HA2 (prolyl 4-hydroxylase subunit alpha 2; minus strand). Cytogenetic location: 5q31.1.
Variant type: single nucleotide variant.
Coding change: c.1273G>A on transcript NM_001017974.2 (MANE Select); coding-DNA position 1273, G replaced by A.
Protein change: p.Gly425Arg; replaces glycine 425 with arginine.
Molecular consequence: missense variant.
Genome position (GRCh38, 1-based): chr5:132,198,911, C>T on the plus strand (G>A on the coding strand, the complement: P4HA2 is on the minus strand). VCF-style: chr5-132198911-C-T. GRCh37 (hg19) VCF-style: chr5-131534604-C-T.
Other names: c.1273G>A, p.Gly425Arg (NM_001142598.2, NM_001142599.2, NM_001365677.2 and 4 more transcripts); c.1096G>A, p.Gly366Arg (NM_001365681.2); short protein forms G366R, G425R.
Identifiers: ClinVar variation 5008429 (VCV005008429.1).